The following is an entry in ClinVar:

NM_001267550.2(TTN):c.39652T>C (p.Leu13218=)

Gene: TTN (titin; minus strand). Cytogenetic location: 2q31.2.
Variant type: single nucleotide variant.
Coding change: c.39652T>C on transcript NM_001267550.2 (MANE Select); coding-DNA position 39652, T replaced by C.
Protein change: p.Leu13218=; no amino-acid change (leucine 13218 retained).
Molecular consequence: synonymous variant. On other transcripts: intron variant (3).
Genome position (GRCh38, 1-based): chr2:178,650,808, A>G on the plus strand (T>C on the coding strand, the complement: TTN is on the minus strand). VCF-style: chr2-178650808-A-G. GRCh37 (hg19) VCF-style: chr2-179515535-A-G.
Other names: c.32350T>C, p.Leu10784= (NM_133378.4); c.35131T>C, p.Leu11711= (NM_001256850.1); c.13283-8491T>C (NM_003319.4); c.13859-8491T>C (NM_133437.4); c.13658-8491T>C (NM_133432.3).
Identifiers: ClinVar variation 179812 (VCV000179812.14), dbSNP rs727505145, ClinGen allele CA185190.
Genomic context (GRCh38, chr2:178,650,808, plus strand): 5'-TACCTTCTGGGGGAGGAGACTCCGCTCTTTCTGGAACAGGAACAGCTGGTTTCTCTTCCA[A>G]GACAGGTTTCTTTGGCACTTCTGGCACTTTAAAGATATTAATTCATTTTTCTTATGAGTA-3'
Protein context (NP_001254479.2, residues 13208-13228): KVPEVPKKPV[Leu13218=]EEKPAVPVPE

ClinVar aggregate classification (germline): Likely benign. Review status: criteria provided, multiple submitters, no conflicts (2 of 4 stars). 2 submissions from 2 submitters: Likely benign (2). Last evaluated 2025-12-15.

Conditions:
Dilated cardiomyopathy 1G (CMD1G). Identifiers: Orphanet 154, MedGen C1858763, MONDO:0011400, OMIM 604145.
Autosomal recessive limb-girdle muscular dystrophy type 2J (LGMDR10). Also called: Limb-girdle muscular dystrophy, type 2J; MUSCULAR DYSTROPHY, LIMB-GIRDLE, AUTOSOMAL RECESSIVE 10. Identifiers: Orphanet 140922, MedGen C1837342, MONDO:0012127, OMIM 608807.

Allele frequency attached by ClinVar (database versions not stated): gnomAD exomes below 0.00001; ExAC 0.00001.

Submissions (2):

Labcorp Genetics (formerly Invitae), Labcorp
Classification: Likely benign for Dilated cardiomyopathy 1G; Autosomal recessive limb-girdle muscular dystrophy type 2J. Last evaluated: 2025-12-15. Review status: criteria provided, single submitter. Criteria: Invitae Variant Classification Sherloc (09022015). Collection method: clinical testing. Allele origin: germline.

Laboratory for Molecular Medicine, Mass General Brigham Personalized Medicine
Classification: Likely benign. Last evaluated: 2014-06-19. Review status: criteria provided, single submitter. Criteria: LMM Criteria. Collection method: clinical testing. Allele origin: germline. Observed: 1 variant allele.
Comment: Leu10784Leu in exon 163 of TTN: This variant is not expected to have clinical si gnificance because it does not alter an amino acid residue and is not located wi thin the splice consensus sequence.